The following is an entry in ClinVar:

ClinVar aggregate classification (germline): Uncertain significance (1 of 4 stars; one submission).

gnomAD v4.1: 6 of 1,550,780 alleles (0.00039%); highest among the groups gnomAD compares: Non-Finnish European, 0.00052%; no homozygotes.

Submission:

GeneDx
Classification: Uncertain significance. Last evaluated: 2024-10-28. Review status: criteria provided, single submitter. Criteria: GeneDx Variant Classification Process June 2021. Collection method: clinical testing. Allele origin: germline. Affected: yes.
Comment: Not observed at significant frequency in large population cohorts (gnomAD); In silico analysis supports that this missense variant has a deleterious effect on protein structure/function; Has not been previously published as pathogenic or benign to our knowledge

NM_001145026.2(PTPRQ):c.6635C>T (p.Ala2212Val)

Gene: PTPRQ (protein tyrosine phosphatase receptor type Q; plus strand). Cytogenetic location: 12q21.31.
Variant type: single nucleotide variant.
Coding change: c.6635C>T on transcript NM_001145026.2 (MANE Select); coding-DNA position 6635, C replaced by T.
Protein change: p.Ala2212Val; replaces alanine 2212 with valine.
Molecular consequence: missense variant.
Genome position (GRCh38, 1-based): chr12:80,673,201, C>T. VCF-style: chr12-80673201-C-T. GRCh37 (hg19) VCF-style: chr12-81066980-C-T.
Other names: short protein forms A2212V.
Identifiers: ClinVar variation 3893394 (VCV003893394.1).
Genomic context (GRCh38, chr12:80,673,201, plus strand): 5'-ATTTTCATGTAATTTACCCTTCCTGTAGTGCTGGAGTTGGAAGAACTGGAGTTTTTATTG[C>T]TCTGGACCATTTAACACAACATATAAATGACCATGATTTTGTGGATATATATGGACTAGT-3'
Protein context (NP_001138498.1, residues 2202-2222): AGVGRTGVFI[Ala2212Val]LDHLTQHIND